The following is an entry in ClinVar:

ClinVar aggregate classification (germline): Uncertain significance (1 of 4 stars; one submission).

Conditions:
Werner syndrome (WRN). Identifiers: Orphanet 902, MedGen C0043119, MONDO:0010196, OMIM 277700.

Submission:

Labcorp Genetics (formerly Invitae), Labcorp
Classification: Uncertain significance for Werner syndrome. Last evaluated: 2017-12-18. Review status: criteria provided, single submitter. Criteria: Invitae Variant Classification Sherloc (09022015). Collection method: clinical testing. Allele origin: germline.
Comment: Algorithms developed to predict the effect of missense changes on protein structure and function (SIFT, PolyPhen-2, Align-GVGD) all suggest that this variant is likely to be tolerated, but these predictions have not been confirmed by published functional studies and their clinical significance is uncertain. This variant has not been reported in the literature in individuals with WRN-related disease. This variant is not present in population databases (ExAC no frequency). This sequence change replaces valine with leucine at codon 28 of the WRN protein (p.Val28Leu). The valine residue is weakly conserved and there is a small physicochemical difference between valine and leucine. In summary, the available evidence is currently insufficient to determine the role of this variant in disease. Therefore, it has been classified as a Variant of Uncertain Significance.

NM_000553.6(WRN):c.82G>C (p.Val28Leu)

Gene: WRN (WRN RecQ like helicase; plus strand). Cytogenetic location: 8p12.
Variant type: single nucleotide variant.
Coding change: c.82G>C on transcript NM_000553.6 (MANE Select); coding-DNA position 82, G replaced by C.
Protein change: p.Val28Leu; replaces valine 28 with leucine.
Molecular consequence: missense variant.
Genome position (GRCh38, 1-based): chr8:31,058,529, G>C. VCF-style: chr8-31058529-G-C. GRCh37 (hg19) VCF-style: chr8-30916045-G-C.
Other names: short protein forms V28L.
Identifiers: ClinVar variation 528118 (VCV000528118.4), dbSNP rs538314935, ClinGen allele CA370912265.